The following is an entry in ClinVar:

NM_152564.5(VPS13B):c.9623T>C (p.Val3208Ala)

Gene: VPS13B (vacuolar protein sorting 13 homolog B; plus strand). Cytogenetic location: 8q22.2.
Variant type: single nucleotide variant.
Coding change: c.9623T>C on transcript NM_152564.5 (MANE Select); coding-DNA position 9623, T replaced by C.
Protein change: p.Val3208Ala; replaces valine 3208 with alanine.
Molecular consequence: missense variant.
Genome position (GRCh38, 1-based): chr8:99,835,205, T>C. VCF-style: chr8-99835205-T-C. GRCh37 (hg19) VCF-style: chr8-100847433-T-C.
Other names: c.9698T>C, p.Val3233Ala (NM_017890.5); short protein forms V3208A, V3233A.
Identifiers: ClinVar variation 575693 (VCV000575693.7), dbSNP rs1563499365, ClinGen allele CA371782379.

ClinVar aggregate classification (germline): Uncertain significance (1 of 4 stars; one submission).

Conditions:
Cohen syndrome (COH1). Also called: Cutis verticis gyrata, retinitis pigmentosa, and sensorineural deafness; PEPPER SYNDROME. Identifiers: Orphanet 193, MedGen C0265223, MONDO:0008999, OMIM 216550.

gnomAD v4.1: 1 of 1,613,994 alleles (0.000062%); highest among the groups gnomAD compares: Non-Finnish European, 0.000085%; no homozygotes.

Submission:

Labcorp Genetics (formerly Invitae), Labcorp
Classification: Uncertain significance for Cohen syndrome. Last evaluated: 2023-04-24. Review status: criteria provided, single submitter. Criteria: Invitae Variant Classification Sherloc (09022015). Collection method: clinical testing. Allele origin: germline.
Comment: This sequence change replaces valine, which is neutral and non-polar, with alanine, which is neutral and non-polar, at codon 3233 of the VPS13B protein (p.Val3233Ala). This variant is not present in population databases (gnomAD no frequency). This variant has not been reported in the literature in individuals affected with VPS13B-related conditions. ClinVar contains an entry for this variant (Variation ID: 575693). Advanced modeling of protein sequence and biophysical properties (such as structural, functional, and spatial information, amino acid conservation, physicochemical variation, residue mobility, and thermodynamic stability) performed at Invitae indicates that this missense variant is not expected to disrupt VPS13B protein function. In summary, the available evidence is currently insufficient to determine the role of this variant in disease. Therefore, it has been classified as a Variant of Uncertain Significance.